The following is an entry in ClinVar:

ClinVar aggregate classification (germline): Pathogenic/Likely pathogenic. Review status: criteria provided, multiple submitters, no conflicts (2 of 4 stars). 5 submissions from 5 submitters: Pathogenic (4); Likely pathogenic (1). Last evaluated 2025-10-27.

Conditions:
Peutz-Jeghers syndrome (PJS). Also called: Peutz-Jeghers polyposis; Periorificial lentiginosis syndrome; POLYPOSIS, HAMARTOMATOUS INTESTINAL; POLYPS-AND-SPOTS SYNDROME. Identifiers: Orphanet 2869, MedGen C0031269, MeSH D010580, MONDO:0008280, OMIM 175200.
Hereditary cancer-predisposing syndrome. Also called: Hereditary Cancer Syndrome; Neoplastic Syndromes, Hereditary; Tumor predisposition; Hereditary neoplastic syndrome. Identifiers: Orphanet 140162, MedGen C0027672, MeSH D009386, MONDO:0015356.

Submissions (5):

Dasa
Classification: Pathogenic. Last evaluated: 2025-10-27. Review status: criteria provided, single submitter. Criteria: DASA Assertion Criteria. Collection method: clinical testing. Allele origin: germline.
Comment: NM_000455.5(STK11):c.358G>T (p.Glu120*) introduces a premature stop codon predicted to result in truncated protein or nonsense-mediated mRNA decay. Loss-of-function is an established mechanism of disease for this gene. The variant has been reported in individuals with Peutz-Jeghers syndrome and is present at low frequency in population datasets. Based on the available data, this variant is classified as pathogenic.

Labcorp Genetics (formerly Invitae), Labcorp
Classification: Pathogenic for Peutz-Jeghers syndrome. Last evaluated: 2024-10-05. Review status: criteria provided, single submitter. Criteria: Invitae Variant Classification Sherloc (09022015). Collection method: clinical testing. Allele origin: germline.
Comment: This sequence change creates a premature translational stop signal (p.Glu120*) in the STK11 gene. It is expected to result in an absent or disrupted protein product. Loss-of-function variants in STK11 are known to be pathogenic (PMID: 15188174, 16287113). This variant is not present in population databases (gnomAD no frequency). This premature translational stop signal has been observed in individual(s) with Peutz-Jeghers syndrome (PMID: 32462036). ClinVar contains an entry for this variant (Variation ID: 421459). For these reasons, this variant has been classified as Pathogenic.

Ambry Genetics
Classification: Pathogenic for Hereditary cancer-predisposing syndrome. Last evaluated: 2023-04-21. Review status: criteria provided, single submitter. Criteria: Ambry Variant Classification Scheme 2023. Collection method: clinical testing. Allele origin: germline.
Comment: The p.E120* pathogenic mutation (also known as c.358G>T), located in coding exon 2 of the STK11 gene, results from a G to T substitution at nucleotide position 358. This changes the amino acid from a glutamic acid to a stop codon within coding exon 2. This alteration is expected to result in loss of function by premature protein truncation or nonsense-mediated mRNA decay. As such, this alteration is interpreted as a disease-causing mutation.

Genome-Nilou Lab
Classification: Likely pathogenic for Peutz-Jeghers syndrome. Last evaluated: 2021-07-15. Review status: criteria provided, single submitter. Criteria: ACMG Guidelines, 2015. Collection method: clinical testing. Allele origin: germline. Affected: no.

GeneDx
Classification: Pathogenic. Last evaluated: 2016-06-16. Review status: criteria provided, single submitter. Criteria: GeneDx Variant Classification (06012015). Collection method: clinical testing. Allele origin: germline. Affected: yes.
Comment: This variant is denoted STK11 c.358G>T at the cDNA level and p.Glu120Ter (E120X) at the protein level. This variant has not, to our knowledge, been published in the literature as a germline variant; however, it has been reported as a somatic variant in lung adenocarcinoma samples (Fernandez 2004, Gill 2011). The STK11 c.358G>T substitution creates a nonsense variant, which changes a Glutamic Acid to a premature stop codon (GAA>TAA), and is predicted to cause loss of normal protein function through either protein truncation or nonsense-mediated mRNA decay. This variant is considered pathogenic.

Literature cited by the submitters: PubMed 15188174 (cited by Labcorp Genetics (formerly Invitae), Labcorp); PubMed 16287113 (cited by Labcorp Genetics (formerly Invitae), Labcorp); PubMed 32462036 (cited by Labcorp Genetics (formerly Invitae), Labcorp).

NM_000455.5(STK11):c.358G>T (p.Glu120Ter)

Gene: STK11 (serine/threonine kinase 11; plus strand). Cytogenetic location: 19p13.3.
Variant type: single nucleotide variant.
Coding change: c.358G>T on transcript NM_000455.5 (MANE Select); coding-DNA position 358, G replaced by T.
Protein change: p.Glu120Ter; replaces glutamic acid 120 with a stop codon.
Molecular consequence: nonsense.
Genome position (GRCh38, 1-based): chr19:1,218,484, G>T. VCF-style: chr19-1218484-G-T. GRCh37 (hg19) VCF-style: chr19-1218483-G-T.
Other names: short protein forms E120*.
Identifiers: ClinVar variation 421459 (VCV000421459.12), dbSNP rs775595174, ClinGen allele CA16620744.
Genomic context (GRCh38, chr19:1,218,484, plus strand): 5'-CAACTACTGAGGAGGTTACGGCACAAAAATGTCATCCAGCTGGTGGATGTGTTATACAAC[G>T]AAGAGAAGCAGAAAATATATCCTTTCCGGTGTTGGGACCGCGGGGCCTCCGTGGGAGGGG-3'